The following is an entry in ClinVar:

ClinVar aggregate classification (germline): Likely benign. Review status: criteria provided, multiple submitters, no conflicts (2 of 4 stars). 2 submissions from 2 submitters: Likely benign (2). Last evaluated 2024-11-19.

gnomAD v4.1: 134 of 1,613,888 alleles (0.0083%); highest among the groups gnomAD compares: Non-Finnish European, 0.01%; no homozygotes.

Submissions (2):

Blueprint Genetics
Classification: Likely benign. Last evaluated: 2024-11-19. Review status: criteria provided, single submitter. Criteria: ACMG Guidelines, 2015. Collection method: clinical testing. Allele origin: germline.

Women's Health and Genetics/Laboratory Corporation of America, LabCorp
Classification: Likely benign. Last evaluated: 2024-11-05. Review status: criteria provided, single submitter. Criteria: LabCorp Variant Classification Summary - May 2015. Collection method: clinical testing. Allele origin: germline.
Comment: Variant summary: GSDME c.399C>T alters a non-conserved nucleotide resulting in a synonymous change. Consensus agreement among computation tools predict no significant impact on normal splicing. However, these predictions have yet to be confirmed by functional studies. The variant allele was found at a frequency of 8.3e-05 in 1613888 control chromosomes. This frequency is not significantly higher than estimated for a pathogenic variant in GSDME causing Autosomal Dominant Nonsyndromic Hearing Loss 5, allowing no conclusion about variant significance. To our knowledge, no occurrence of c.399C>T in individuals affected with Autosomal Dominant Nonsyndromic Hearing Loss 5 and no experimental evidence demonstrating its impact on protein function have been reported. No submitters have cited clinical-significance assessments for this variant to ClinVar. Based on the evidence outlined above, the variant was classified as likely benign.

NM_001127453.2(GSDME):c.399C>T (p.Ala133=)

Gene: GSDME (gasdermin E; minus strand). Cytogenetic location: 7p15.3.
Variant type: single nucleotide variant.
Coding change: c.399C>T on transcript NM_001127453.2 (MANE Select); coding-DNA position 399, C replaced by T.
Protein change: p.Ala133=; no amino-acid change (alanine 133 retained).
Molecular consequence: synonymous variant. On other transcripts: 5 prime UTR variant (1).
Genome position (GRCh38, 1-based): chr7:24,744,567, G>A on the plus strand (C>T on the coding strand, the complement: GSDME is on the minus strand). VCF-style: chr7-24744567-G-A. GRCh37 (hg19) VCF-style: chr7-24784186-G-A.
Other names: c.-94C>T (NM_001127454.2); c.399C>T, p.Ala133= (NM_004403.3).
Identifiers: ClinVar variation 3629811 (VCV003629811.2).
Genomic context (GRCh38, chr7:24,744,567, plus strand): 5'-TGACCTTTAAATGTGAGATGTGTCAAAATCCAAAATGCCAAACAAGTCTCCTTACCTCTC[G>A]GCAGAGTCTCTGATGAGCTGCTGCAAATCCACCTCCTGCTTCCTCAGGGTTCCAAATGAA-3'
Protein context (NP_001120925.1, residues 123-143): VDLQQLIRDS[Ala133=]ERTINLRNPV